The following is an entry in ClinVar:

ClinVar aggregate classification (germline): Uncertain significance. Review status: criteria provided, multiple submitters, no conflicts (2 of 4 stars). 3 submissions from 3 submitters: Uncertain significance (3). Last evaluated 2024-09-03.

Conditions:
Hereditary cancer-predisposing syndrome. Also called: Tumor predisposition; Neoplastic Syndromes, Hereditary; Hereditary Cancer Syndrome; Hereditary neoplastic syndrome. Identifiers: Orphanet 140162, MedGen C0027672, MeSH D009386, MONDO:0015356.
Ataxia-telangiectasia syndrome (AT). Also called: Ataxia-telangiectasia; Ataxia-telangiectasia, complementation group D; AT, COMPLEMENTATION GROUP C; LOUIS-BAR SYNDROME; Cerebello-oculocutaneous telangiectasia; Immunodeficiency with ataxia telangiectasia. Identifiers: Orphanet 100, MedGen C0004135, MONDO:0008840, OMIM 208900.

Submissions (3):

Ambry Genetics
Classification: Uncertain significance for Hereditary cancer-predisposing syndrome. Last evaluated: 2024-09-03. Review status: criteria provided, single submitter. Criteria: Ambry Variant Classification Scheme 2023. Collection method: clinical testing. Allele origin: germline.
Comment: The p.I1271V variant (also known as c.3811A>G), located in coding exon 25 of the ATM gene, results from an A to G substitution at nucleotide position 3811. The isoleucine at codon 1271 is replaced by valine, an amino acid with highly similar properties. This amino acid position is well conserved in available vertebrate species. In addition, this alteration is predicted to be tolerated by in silico analysis. Based on the available evidence, the clinical significance of this variant remains unclear.

Color Diagnostics, LLC DBA Color Health
Classification: Uncertain significance for Hereditary cancer-predisposing syndrome. Last evaluated: 2023-12-05. Review status: criteria provided, single submitter. Criteria: ACMG Guidelines, 2015. Collection method: clinical testing. Allele origin: germline.
Comment: This missense variant replaces isoleucine with valine at codon 1271 of the ATM protein. Computational prediction suggests that this variant may not impact protein structure and function (internally defined REVEL score threshold <= 0.5, PMID: 27666373). To our knowledge, functional studies have not been reported for this variant. This variant has not been reported in individuals affected with ATM-related disorders in the literature. This variant has not been identified in the general population by the Genome Aggregation Database (gnomAD). The available evidence is insufficient to determine the role of this variant in disease conclusively. Therefore, this variant is classified as a Variant of Uncertain Significance.

Labcorp Genetics (formerly Invitae), Labcorp
Classification: Uncertain significance for Ataxia-telangiectasia syndrome. Last evaluated: 2023-07-24. Review status: criteria provided, single submitter. Criteria: Invitae Variant Classification Sherloc (09022015). Collection method: clinical testing. Allele origin: germline.
Comment: This variant is not present in population databases (gnomAD no frequency). In summary, the available evidence is currently insufficient to determine the role of this variant in disease. Therefore, it has been classified as a Variant of Uncertain Significance. An algorithm developed to predict the effect of missense changes on protein structure and function (PolyPhen-2) suggests that this variant is likely to be tolerated. ClinVar contains an entry for this variant (Variation ID: 490548). This variant has not been reported in the literature in individuals affected with ATM-related conditions. This sequence change replaces isoleucine, which is neutral and non-polar, with valine, which is neutral and non-polar, at codon 1271 of the ATM protein (p.Ile1271Val).

NM_000051.4(ATM):c.3811A>G (p.Ile1271Val)

Gene: ATM (ATM serine/threonine kinase; plus strand). Cytogenetic location: 11q22.3.
Variant type: single nucleotide variant.
Coding change: c.3811A>G on transcript NM_000051.4 (MANE Select); coding-DNA position 3811, A replaced by G.
Protein change: p.Ile1271Val; replaces isoleucine 1271 with valine.
Molecular consequence: missense variant.
Genome position (GRCh38, 1-based): chr11:108,284,291, A>G. VCF-style: chr11-108284291-A-G. GRCh37 (hg19) VCF-style: chr11-108155018-A-G.
Other names: c.3811A>G, p.Ile1271Val (NM_001351834.2); short protein forms I1271V.
Identifiers: ClinVar variation 490548 (VCV000490548.14), dbSNP rs1555093407, ClinGen allele CA382524805.